The following is an entry in ClinVar:

ClinVar aggregate classification (germline): Uncertain significance (1 of 4 stars; one submission).

Conditions:
Cornelia de Lange syndrome 1 (CDLS1). Also called: Brachmann de Lange syndrome; TYPUS DEGENERATIVUS AMSTELODAMENSIS; NIPBL-Related Cornelia de Lange Syndrome. Identifiers: Orphanet 199, MedGen C4551851, MONDO:0007387, OMIM 122470.

Submission:

Labcorp Genetics (formerly Invitae), Labcorp
Classification: Uncertain significance for Cornelia de Lange syndrome 1. Last evaluated: 2017-07-06. Review status: criteria provided, single submitter. Criteria: Invitae Variant Classification Sherloc (09022015). Collection method: clinical testing. Allele origin: germline.
Comment: Nucleotide substitutions within the consensus splice site are relatively common causes of aberrant splicing (PMID: 17576681, 9536098). Algorithms developed to predict the effect of sequence changes on RNA splicing suggest that this variant may disrupt the consensus splice site, but this prediction has not been confirmed by published transcriptional studies. In summary, the available evidence is currently insufficient to determine the role of this variant in disease. Therefore, it has been classified as a Variant of Uncertain Significance. This variant has not been reported in the literature in individuals with NIPBL-related disease. This sequence change falls in intron 42 of the NIPBL gene. It does not directly change the encoded amino acid sequence of the NIPBL protein, but it affects a nucleotide within the consensus splice site of the intron. This variant is not present in population databases (ExAC no frequency).

Literature cited by the submitters: PubMed 17576681; PubMed 9536098.

NM_133433.4(NIPBL):c.7263+3A>G

Gene: NIPBL (NIPBL cohesin loading factor; plus strand). Cytogenetic location: 5p13.2.
Variant type: single nucleotide variant.
Coding change: c.7263+3A>G on transcript NM_133433.4 (MANE Select); 3 bases into the intron after coding-DNA position 7263, A replaced by G.
Molecular consequence: intron variant.
Genome position (GRCh38, 1-based): chr5:37,052,569, A>G. VCF-style: chr5-37052569-A-G. GRCh37 (hg19) VCF-style: chr5-37052671-A-G.
Other names: c.7263+3A>G (NM_015384.5).
Identifiers: ClinVar variation 476596 (VCV000476596.6), dbSNP rs1554033589, ClinGen allele CA658657435.